The following is an entry in ClinVar:

ClinVar aggregate classification (germline): Uncertain significance (1 of 4 stars; one submission).

Submission:

Labcorp Genetics (formerly Invitae), Labcorp
Classification: Uncertain significance. Last evaluated: 2022-09-09. Review status: criteria provided, single submitter. Criteria: Invitae Variant Classification Sherloc (09022015). Collection method: clinical testing. Allele origin: germline.
Comment: This sequence change replaces aspartic acid, which is acidic and polar, with asparagine, which is neutral and polar, at codon 36 of the TUBB1 protein (p.Asp36Asn). This variant is present in population databases (rs768301576, gnomAD 0.003%). In summary, the available evidence is currently insufficient to determine the role of this variant in disease. Therefore, it has been classified as a Variant of Uncertain Significance. Advanced modeling of protein sequence and biophysical properties (such as structural, functional, and spatial information, amino acid conservation, physicochemical variation, residue mobility, and thermodynamic stability) performed at Invitae indicates that this missense variant is not expected to disrupt TUBB1 protein function. This variant has not been reported in the literature in individuals affected with TUBB1-related conditions.

NM_030773.4(TUBB1):c.106G>A (p.Asp36Asn)

Gene: TUBB1 (tubulin beta 1 class VI; plus strand). Cytogenetic location: 20q13.32.
Variant type: single nucleotide variant.
Coding change: c.106G>A on transcript NM_030773.4 (MANE Select); coding-DNA position 106, G replaced by A.
Protein change: p.Asp36Asn; replaces aspartic acid 36 with asparagine.
Molecular consequence: missense variant.
Genome position (GRCh38, 1-based): chr20:59,022,893, G>A. VCF-style: chr20-59022893-G-A. GRCh37 (hg19) VCF-style: chr20-57597948-G-A.
Other names: short protein forms D36N.
Identifiers: ClinVar variation 1972431 (VCV001972431.5), dbSNP rs768301576, ClinGen allele CA9928368.